The following is an entry in ClinVar:

NM_017617.5(NOTCH1):c.2504_2506del (p.Pro835_Ser836delinsArg)

Gene: NOTCH1 (notch receptor 1; minus strand). Cytogenetic location: 9q34.3.
Variant type: Deletion.
Coding change: c.2504_2506del on transcript NM_017617.5 (MANE Select); coding-DNA positions 2504 to 2506, 3 bases deleted (CCA; older notation c.2504_2506delCCA).
Protein change: p.Pro835_Ser836delinsArg.
Molecular consequence: inframe indel.
Genome position (GRCh38, 1-based): chr9:136,511,233-136,511,235, TGG deleted on the plus strand (CCA on the coding strand, the reverse complement: NOTCH1 is on the minus strand). VCF-style (leftmost placement, unchanged base first): chr9-136511232-CTGG-C. GRCh37 (hg19) VCF-style: chr9-139405684-CTGG-C.
Identifiers: ClinVar variation 2866517 (VCV002866517.3), dbSNP rs2540449418, ClinGen allele CA2739265198.

ClinVar aggregate classification (germline): Uncertain significance (1 of 4 stars; one submission).

Conditions:
Adams-Oliver syndrome 5 (AOS5). Identifiers: Orphanet 974, MedGen C4014970, MONDO:0014459, OMIM 616028.

Submission:

Labcorp Genetics (formerly Invitae), Labcorp
Classification: Uncertain significance for Adams-Oliver syndrome 5. Last evaluated: 2023-05-20. Review status: criteria provided, single submitter. Criteria: Invitae Variant Classification Sherloc (09022015). Collection method: clinical testing. Allele origin: germline.
Comment: In summary, the available evidence is currently insufficient to determine the role of this variant in disease. Therefore, it has been classified as a Variant of Uncertain Significance. Experimental studies and prediction algorithms are not available or were not evaluated, and the functional significance of this variant is currently unknown. This variant has not been reported in the literature in individuals affected with NOTCH1-related conditions. This variant is not present in population databases (gnomAD no frequency). This variant, c.2504_2506del, is a complex sequence change that results in the deletion of 2 and insertion of 1 amino acid(s) in the NOTCH1 protein (p.Pro835_Ser836delinsArg).